The following is an entry in ClinVar:

ClinVar aggregate classification (germline): Uncertain significance (1 of 4 stars; one submission).

Conditions:
Autosomal dominant Robinow syndrome 1. Also called: Covesdem syndrome (formerly); Costovertebral segmentation defect with mesomelia (formerly); WNT5A-Related Robinow Syndrome, Autosomal Dominant; ACRAL DYSOSTOSIS WITH FACIAL AND GENITAL ABNORMALITIES; FETAL FACE SYNDROME; ROBINOW DWARFISM. Identifiers: Orphanet 3107, Orphanet 97360, MedGen C4551475, MONDO:0024455, OMIM 180700.

gnomAD v4.1: 1 of 1,614,046 alleles (0.000062%); highest among the groups gnomAD compares: Non-Finnish European, 0.000085%; no homozygotes.

Submission:

Laboratorio de Genetica e Diagnostico Molecular, Hospital Israelita Albert Einstein
Classification: Uncertain significance for Autosomal dominant Robinow syndrome 1. Last evaluated: 2023-11-17. Review status: criteria provided, single submitter. Criteria: ACMG Guidelines, 2015. Collection method: clinical testing. Allele origin: germline. Affected: yes.
Comment: ACMG classification criteria: PM2 moderate, BP4 supporting

NM_003392.7(WNT5A):c.932G>A (p.Arg311His)

Gene: WNT5A (Wnt family member 5A; minus strand). Cytogenetic location: 3p14.3.
Variant type: single nucleotide variant.
Coding change: c.932G>A on transcript NM_003392.7 (MANE Select); coding-DNA position 932, G replaced by A.
Protein change: p.Arg311His; replaces arginine 311 with histidine.
Molecular consequence: missense variant.
Genome position (GRCh38, 1-based): chr3:55,470,303, C>T on the plus strand (G>A on the coding strand, the complement: WNT5A is on the minus strand). VCF-style: chr3-55470303-C-T. GRCh37 (hg19) VCF-style: chr3-55504331-C-T.
Other names: c.887G>A, p.Arg296His (NM_001256105.1, NM_001377271.1, NM_001377272.1); short protein forms R296H, R311H.
Identifiers: ClinVar variation 4076327 (VCV004076327.1).